The following is an entry in ClinVar:

NM_020884.7(MYH7B):c.4657G>T (p.Glu1553Ter)

Gene: MYH7B (myosin heavy chain 7B; plus strand). Cytogenetic location: 20q11.22.
Variant type: single nucleotide variant.
Coding change: c.4657G>T on transcript NM_020884.7 (MANE Select); coding-DNA position 4657, G replaced by T.
Protein change: p.Glu1553Ter; replaces glutamic acid 1553 with a stop codon.
Molecular consequence: nonsense.
Genome position (GRCh38, 1-based): chr20:34,999,687, G>T. VCF-style: chr20-34999687-G-T. GRCh37 (hg19) VCF-style: chr20-33587490-G-T.
Other names: short protein forms E1553*.
Identifiers: ClinVar variation 4988263 (VCV004988263.1).

ClinVar aggregate classification (germline): Uncertain significance (1 of 4 stars; one submission).

Conditions:
MYH7B-related disorder. Also called: MYH7B-related condition.

gnomAD v4.1: 6 of 1,613,474 alleles (0.00037%); highest among the groups gnomAD compares: Non-Finnish European, 0.00051%; no homozygotes.

Submission:

PreventionGenetics, part of Exact Sciences
Classification: Uncertain significance for MYH7B-related condition. Last evaluated: 2026-01-26. Review status: criteria provided, single submitter. Criteria: ACMG Guidelines, 2015. Collection method: clinical testing. Allele origin: germline.
Comment: The MYH7B c.4783G>T variant is predicted to result in premature protein termination (p.Glu1595*). To our knowledge, this variant has not been reported in the literature or in a large population database (gnomAD), indicating this variant is rare. At this time, the clinical significance of this variant is uncertain due to the absence of conclusive functional and genetic evidence.